The following is an entry in ClinVar:

NM_001447.3(FAT2):c.10987C>T (p.Arg3663Trp)

Genes: FAT2 (FAT atypical cadherin 2; minus strand), SLC36A1 (solute carrier family 36 member 1; plus strand). Cytogenetic location: 5q33.1.
Variant type: single nucleotide variant.
Coding change: c.10987C>T on transcript NM_001447.3 (MANE Select); coding-DNA position 10987, C replaced by T.
Protein change: p.Arg3663Trp; replaces arginine 3663 with tryptophan.
Molecular consequence: missense variant.
Genome position (GRCh38, 1-based): chr5:151,521,606, G>A on the plus strand (C>T on the coding strand, the complement: FAT2 is on the minus strand). VCF-style: chr5-151521606-G-A. GRCh37 (hg19) VCF-style: chr5-150901167-G-A.
Other names: short protein forms R3663W.
Identifiers: ClinVar variation 2027119 (VCV002027119.4), dbSNP rs200726748, ClinGen allele CA3520116.

ClinVar aggregate classification (germline): Uncertain significance (1 of 4 stars; one submission).

Allele frequency attached by ClinVar (database versions not stated): gnomAD exomes 0.00003; TOPMed 0.00003; ExAC 0.00004; gnomAD 0.00004; ESP Exome Variant Server 0.00008.
gnomAD v4.1: 49 of 1,614,052 alleles (0.003%); highest among the groups gnomAD compares: South Asian, 0.0088%; no homozygotes.

Submission:

Labcorp Genetics (formerly Invitae), Labcorp
Classification: Uncertain significance. Last evaluated: 2023-10-05. Review status: criteria provided, single submitter. Criteria: Invitae Variant Classification Sherloc (09022015). Collection method: clinical testing. Allele origin: germline.
Comment: This sequence change replaces arginine, which is basic and polar, with tryptophan, which is neutral and slightly polar, at codon 3663 of the FAT2 protein (p.Arg3663Trp). This variant is present in population databases (rs200726748, gnomAD 0.02%). This variant has not been reported in the literature in individuals affected with FAT2-related conditions. ClinVar contains an entry for this variant (Variation ID: 2027119). An algorithm developed to predict the effect of missense changes on protein structure and function (PolyPhen-2) suggests that this variant is likely to be disruptive. In summary, the available evidence is currently insufficient to determine the role of this variant in disease. Therefore, it has been classified as a Variant of Uncertain Significance.